The following is an entry in ClinVar:

NM_002076.4(GNS):c.1153G>A (p.Asp385Asn)

Gene: GNS (glucosamine (N-acetyl)-6-sulfatase; minus strand). Cytogenetic location: 12q14.3.
Variant type: single nucleotide variant.
Coding change: c.1153G>A on transcript NM_002076.4 (MANE Select); coding-DNA position 1153, G replaced by A.
Protein change: p.Asp385Asn; replaces aspartic acid 385 with asparagine.
Molecular consequence: missense variant.
Genome position (GRCh38, 1-based): chr12:64,729,003, C>T on the plus strand (G>A on the coding strand, the complement: GNS is on the minus strand). VCF-style: chr12-64729003-C-T. GRCh37 (hg19) VCF-style: chr12-65122783-C-T.
Other names: short protein forms D385N.
Identifiers: ClinVar variation 310207 (VCV000310207.8), dbSNP rs138335335, ClinGen allele CA6669740.

ClinVar aggregate classification (germline): Conflicting classifications of pathogenicity. Review status: criteria provided, conflicting classifications (1 of 4 stars). 3 submissions from 3 submitters: Uncertain significance (2); Likely benign (1). Last evaluated 2023-04-18.

Conditions:
Inborn genetic diseases. Identifiers: MedGen C0950123, MeSH D030342.
Mucopolysaccharidosis, MPS-III-D (MPS3D). Also called: MPS IIID (Sanfilippo Syndrome Type D); MPS III D; Mucopoly-saccharidosis type 3D; N-acetylglucosamine-6-sulfate sulfatase deficiency; MPS 3D; N-ACETYLGLUCOSAMINE-6-SULFATASE DEFICIENCY. Identifiers: Orphanet 581, Orphanet 79272, MedGen C0086650, MONDO:0009658, OMIM 252940.

Allele frequency attached by ClinVar (database versions not stated): gnomAD 0.00003; gnomAD exomes 0.00004 and 0.00001; ExAC 0.00003; ESP Exome Variant Server 0.00015; TOPMed 0.00003; 1000 Genomes Project 30x 0.00016; 1000 Genomes Project 0.00020.
gnomAD v4.1: 20 of 1,604,888 alleles (0.0012%); highest among the groups gnomAD compares: East Asian, 0.0067%; no homozygotes.

Submissions (3):

Ambry Genetics
Classification: Likely benign for Inborn genetic diseases. Last evaluated: 2023-04-18. Review status: criteria provided, single submitter. Criteria: Ambry Variant Classification Scheme 2023. Collection method: clinical testing. Allele origin: germline.

Labcorp Genetics (formerly Invitae), Labcorp
Classification: Uncertain significance for Mucopolysaccharidosis, MPS-III-D. Last evaluated: 2022-01-03. Review status: criteria provided, single submitter. Criteria: Invitae Variant Classification Sherloc (09022015). Collection method: clinical testing. Allele origin: germline.
Comment: This sequence change replaces aspartic acid, which is acidic and polar, with asparagine, which is neutral and polar, at codon 385 of the GNS protein (p.Asp385Asn). This variant is present in population databases (rs138335335, gnomAD 0.02%). This variant has not been reported in the literature in individuals affected with GNS-related conditions. ClinVar contains an entry for this variant (Variation ID: 310207). Algorithms developed to predict the effect of missense changes on protein structure and function output the following: SIFT: "Tolerated"; PolyPhen-2: "Benign"; Align-GVGD: "Class C0". The asparagine amino acid residue is found in multiple mammalian species, which suggests that this missense change does not adversely affect protein function. In summary, the available evidence is currently insufficient to determine the role of this variant in disease. Therefore, it has been classified as a Variant of Uncertain Significance.

Illumina Laboratory Services, Illumina
Classification: Uncertain significance for Mucopolysaccharidosis, MPS-III-D. Last evaluated: 2018-01-13. Review status: criteria provided, single submitter. Criteria: ICSL Variant Classification Criteria 13 December 2019. Collection method: clinical testing. Allele origin: germline.